The following is an entry in ClinVar:

ClinVar aggregate classification (germline): Uncertain significance (1 of 4 stars; one submission).

Conditions:
TTN-related disorder. Also called: TTN-related disorders; TTN-related condition; TTN-related disease.

gnomAD v4.1: 22 of 1,612,642 alleles (0.0014%); highest among the groups gnomAD compares: Non-Finnish European, 0.0016%; no homozygotes.

Submission:

PreventionGenetics, part of Exact Sciences
Classification: Uncertain significance for TTN-related condition. Last evaluated: 2025-11-26. Review status: criteria provided, single submitter. Criteria: ACMG Guidelines, 2015. Collection method: clinical testing. Allele origin: germline.
Comment: The TTN c.47400G>C variant is predicted to result in the amino acid substitution p.Lys15800Asn. To our knowledge, this variant has not been reported in the literature. This variant is reported in 0.0027% of alleles in individuals of European (Non-Finnish) descent in gnomAD. At this time, the clinical significance of this variant is uncertain due to the absence of conclusive functional and genetic evidence.

NM_001267550.2(TTN):c.47400G>C (p.Lys15800Asn)

Genes: TTN (titin; minus strand), TTN-AS1 (TTN antisense RNA 1; plus strand). Cytogenetic location: 2q31.2.
Variant type: single nucleotide variant.
Coding change: c.47400G>C on transcript NM_001267550.2 (MANE Select); coding-DNA position 47400, G replaced by C.
Protein change: p.Lys15800Asn; replaces lysine 15800 with asparagine.
Molecular consequence: missense variant.
Genome position (GRCh38, 1-based): chr2:178,617,951, C>G on the plus strand (G>C on the coding strand, the complement: TTN is on the minus strand). VCF-style: chr2-178617951-C-G. GRCh37 (hg19) VCF-style: chr2-179482678-C-G.
Other names: c.42477G>C, p.Lys14159Asn (NM_001256850.1); c.20205G>C, p.Lys6735Asn (NM_003319.4); c.39696G>C, p.Lys13232Asn (NM_133378.4); c.20580G>C, p.Lys6860Asn (NM_133432.3); c.20781G>C, p.Lys6927Asn (NM_133437.4); short protein forms K13232N, K6860N, K14159N, K15800N, K6927N, K6735N.
Identifiers: ClinVar variation 4990562 (VCV004990562.1).